The following is an entry in ClinVar:

NM_004924.6(ACTN4):c.1692+4C>T

Gene: ACTN4 (actinin alpha 4; plus strand). Cytogenetic location: 19q13.2.
Variant type: single nucleotide variant.
Coding change: c.1692+4C>T on transcript NM_004924.6 (MANE Select); 4 bases into the intron after coding-DNA position 1692, C replaced by T.
Molecular consequence: intron variant.
Genome position (GRCh38, 1-based): chr19:38,724,081, C>T. VCF-style: chr19-38724081-C-T. GRCh37 (hg19) VCF-style: chr19-39214721-C-T.
Other names: c.1692+4C>T (NM_001411143.1, NM_001322033.2, NM_001440296.1 and 2 more transcripts); c.1440+4C>T (NM_001440299.1).
Identifiers: ClinVar variation 4749742 (VCV004749742.1).

ClinVar aggregate classification (germline): Uncertain significance (1 of 4 stars; one submission).

gnomAD v4.1: 15 of 1,613,518 alleles (0.00093%); highest among the groups gnomAD compares: African/African-American, 0.004%; no homozygotes.

Submission:

Labcorp Genetics (formerly Invitae), Labcorp
Classification: Uncertain significance. Last evaluated: 2025-11-16. Review status: criteria provided, single submitter. Criteria: Invitae Variant Classification Sherloc (09022015). Collection method: clinical testing. Allele origin: germline.
Comment: This sequence change falls in intron 14 of the ACTN4 gene. It does not directly change the encoded amino acid sequence of the ACTN4 protein. It affects a nucleotide within the consensus splice site. This variant is present in population databases (rs755087180, gnomAD 0.007%). This variant has not been reported in the literature in individuals affected with ACTN4-related conditions. Variants that disrupt the consensus splice site are a relatively common cause of aberrant splicing (PMID: 17576681, 9536098). Algorithms developed to predict the effect of sequence changes on RNA splicing suggest that this variant is not likely to affect RNA splicing. In summary, the available evidence is currently insufficient to determine the role of this variant in disease. Therefore, it has been classified as a Variant of Uncertain Significance.

Literature cited by the submitters: PubMed 17576681; PubMed 9536098.